The following is an entry in ClinVar:

ClinVar aggregate classification (germline): Pathogenic (1 of 4 stars; one submission).

Conditions:
Hereditary cancer-predisposing syndrome. Also called: Neoplastic Syndromes, Hereditary; Tumor predisposition; Hereditary Cancer Syndrome; Hereditary neoplastic syndrome. Identifiers: Orphanet 140162, MedGen C0027672, MeSH D009386, MONDO:0015356.

Submission:

Color Diagnostics, LLC DBA Color Health
Classification: Pathogenic for Hereditary cancer-predisposing syndrome. Last evaluated: 2023-03-16. Review status: criteria provided, single submitter. Criteria: ACMG Guidelines, 2015. Collection method: clinical testing. Allele origin: germline.
Comment: This variant deletes 1 nucleotide in exon 11 of the BRCA2 gene, creating a frameshift and premature translation stop signal. This variant is expected to result in an absent or non-functional protein product. To our knowledge, this variant has not been reported in individuals affected with BRCA2-related disorders in the literature. This variant has not been identified in the general population by the Genome Aggregation Database (gnomAD). Loss of BRCA2 function is a known mechanism of disease. Based on the available evidence, this variant is classified as Pathogenic.

NM_000059.4(BRCA2):c.6763del (p.Thr2255fs)

Gene: BRCA2 (BRCA2 DNA repair associated; plus strand). Cytogenetic location: 13q13.1.
Variant type: Deletion.
Coding change: c.6763del on transcript NM_000059.4 (MANE Select); coding-DNA position 6763, one base deleted (A; older notation c.6763delA).
Protein change: p.Thr2255fs; shifts the reading frame from threonine 2255.
Molecular consequence: frameshift variant. On other transcripts: non-coding transcript variant (1), intron variant (2).
Genome position (GRCh38, 1-based): chr13:32,341,118, A deleted. VCF-style (leftmost placement, unchanged base first): chr13-32341117-TA-T. GRCh37 (hg19) VCF-style: chr13-32915254-TA-T.
Other names: c.6763del, p.Thr2255fs (NM_001406719.1, NM_001406720.1); c.1910-3440del (NM_001406721.1); c.425-3440del (NM_001406722.1); short protein forms T2255fs.
Identifiers: ClinVar variation 2774936 (VCV002774936.2), dbSNP rs2548534019, ClinGen allele CA2697551756.
Genomic context (GRCh38, chr13:32,341,117, plus strand): 5'-TATGGAAGATGATGAACTGACAGATTCTAAACTGCCAAGTCATGCCACACATTCTCTTTT[TA>T]CATGTCCCGAAAATGAGGAAATGGTTTTGTCAAATTCAAGAATTGGAAAAAGAAGAGGAG-3'